The following is an entry in ClinVar:

NM_001003841.3(SLC6A19):c.434A>G (p.Gln145Arg)

Gene: SLC6A19 (solute carrier family 6 member 19; plus strand). Cytogenetic location: 5p15.33.
Variant type: single nucleotide variant.
Coding change: c.434A>G on transcript NM_001003841.3 (MANE Select); coding-DNA position 434, A replaced by G.
Protein change: p.Gln145Arg; replaces glutamine 145 with arginine.
Molecular consequence: missense variant.
Genome position (GRCh38, 1-based): chr5:1,210,534, A>G. VCF-style: chr5-1210534-A-G. GRCh37 (hg19) VCF-style: chr5-1210649-A-G.
Other names: c.434A>G (NM_001003841.2); short protein forms Q145R.
Identifiers: ClinVar variation 2049956 (VCV002049956.5), dbSNP rs368969196, ClinGen allele CA3182696.

ClinVar aggregate classification (germline): Uncertain significance. Review status: criteria provided, multiple submitters, no conflicts (2 of 4 stars). 2 submissions from 2 submitters: Uncertain significance (2). Last evaluated 2025-10-06.

Conditions:
Inborn genetic diseases. Identifiers: MedGen C0950123, MeSH D030342.

Allele frequency attached by ClinVar (database versions not stated): gnomAD exomes 0.00001; ExAC 0.00002; gnomAD 0.00003; TOPMed 0.00004; ESP Exome Variant Server 0.00008.
gnomAD v4.1: 17 of 1,613,264 alleles (0.0011%); highest among the groups gnomAD compares: Non-Finnish European, 0.0014%; no homozygotes.

Submissions (2):

Ambry Genetics
Classification: Uncertain significance for Inborn genetic diseases. Last evaluated: 2025-10-06. Review status: criteria provided, single submitter. Criteria: Ambry Variant Classification Scheme 2023. Collection method: clinical testing. Allele origin: germline.

Labcorp Genetics (formerly Invitae), Labcorp
Classification: Uncertain significance. Last evaluated: 2025-09-22. Review status: criteria provided, single submitter. Criteria: Invitae Variant Classification Sherloc (09022015). Collection method: clinical testing. Allele origin: germline.
Comment: This sequence change replaces glutamine, which is neutral and polar, with arginine, which is basic and polar, at codon 145 of the SLC6A19 protein (p.Gln145Arg). This variant is present in population databases (rs368969196, gnomAD 0.002%). This variant has not been reported in the literature in individuals affected with SLC6A19-related conditions. ClinVar contains an entry for this variant (Variation ID: 2049956). Invitae Evidence Modeling of protein sequence and biophysical properties (such as structural, functional, and spatial information, amino acid conservation, physicochemical variation, residue mobility, and thermodynamic stability) indicates that this missense variant is not expected to disrupt SLC6A19 protein function with a negative predictive value of 80%. In summary, the available evidence is currently insufficient to determine the role of this variant in disease. Therefore, it has been classified as a Variant of Uncertain Significance.